The following is an entry in ClinVar:

NM_015915.5(ATL1):c.1173C>T (p.His391=)

Gene: ATL1 (atlastin GTPase 1; plus strand). Cytogenetic location: 14q22.1.
Variant type: single nucleotide variant.
Coding change: c.1173C>T on transcript NM_015915.5 (MANE Select); coding-DNA position 1173, C replaced by T.
Protein change: p.His391=; no amino-acid change (histidine 391 retained).
Molecular consequence: synonymous variant.
Genome position (GRCh38, 1-based): chr14:50,628,084, C>T. VCF-style: chr14-50628084-C-T. GRCh37 (hg19) VCF-style: chr14-51094802-C-T.
Other names: c.1173C>T, p.His391= (NM_001127713.1, NM_181598.4).
Identifiers: ClinVar variation 313305 (VCV000313305.62), dbSNP rs149340140, ClinGen allele CA7180450.
Genomic context (GRCh38, chr14:50,628,084, plus strand): 5'-GATACAGATTTGTGGTGGTGACAAACCATTTCTGGCCCCAAATGACTTGCAGACCAAACA[C>T]CTGCAACTTAAGGAAGAATCTGTGAAGCTATTCCGAGGGGTGAAGAAGATGGGTGGGGAA-3'
Protein context (NP_056999.2, residues 381-401): FLAPNDLQTK[His391=]LQLKEESVKL

ClinVar aggregate classification (germline): Benign/Likely benign. Review status: criteria provided, multiple submitters, no conflicts (2 of 4 stars). 7 submissions from 7 submitters: Benign (1); Likely benign (6). Last evaluated 2025-12-23.

Conditions:
Inborn genetic diseases. Identifiers: MedGen C0950123, MeSH D030342.
Hereditary spastic paraplegia 3A (SPG3A). Also called: Spastic paraplegia 3A, autosomal dominant; SPASTIC PARAPLEGIA 3, AUTOSOMAL DOMINANT; FAMILIAL SPASTIC PARAPLEGIA, AUTOSOMAL DOMINANT, 1; SPG3; STRUMPELL DISEASE; Spastic Paraplegia 3A. Identifiers: Orphanet 100984, MedGen C2931355, MONDO:0008437, OMIM 182600.

Allele frequency attached by ClinVar (database versions not stated): ESP Exome Variant Server 0.00008; TOPMed 0.00011; ExAC 0.00012; gnomAD exomes 0.00012; gnomAD 0.00013.
gnomAD v4.1: 189 of 1,614,024 alleles (0.012%); highest among the groups gnomAD compares: Middle Eastern, 0.016%; no homozygotes.

Submissions (7):

Labcorp Genetics (formerly Invitae), Labcorp
Classification: Likely benign for Hereditary spastic paraplegia 3A. Last evaluated: 2025-12-23. Review status: criteria provided, single submitter. Criteria: Invitae Variant Classification Sherloc (09022015). Collection method: clinical testing. Allele origin: germline.

Blueprint Genetics
Classification: Likely benign. Last evaluated: 2024-10-24. Review status: criteria provided, single submitter. Criteria: ACMG Guidelines, 2015. Collection method: clinical testing. Allele origin: germline.

CeGaT Center for Human Genetics Tuebingen
Classification: Likely benign. Last evaluated: 2023-11-01. Review status: criteria provided, single submitter. Criteria: CeGaT Center For Human Genetics Tuebingen Variant Classification Criteria Version 2. Collection method: clinical testing. Allele origin: germline. Affected: yes. Observed: 3 variant alleles.
Comment: ATL1: BP4, BP7

GeneDx
Classification: Likely benign. Last evaluated: 2020-12-22. Review status: criteria provided, single submitter. Criteria: GeneDx Variant Classification Process June 2021. Collection method: clinical testing. Allele origin: germline. Affected: yes.

Ambry Genetics
Classification: Likely benign for Inborn genetic diseases. Last evaluated: 2019-07-11. Review status: criteria provided, single submitter. Criteria: Ambry Variant Classification Scheme 2023. Collection method: clinical testing. Allele origin: germline.

Illumina Laboratory Services, Illumina
Classification: Likely benign for Hereditary spastic paraplegia 3A. Last evaluated: 2018-01-13. Review status: criteria provided, single submitter. Criteria: ICSL Variant Classification Criteria 13 December 2019. Collection method: clinical testing. Allele origin: germline.
Comment: This variant was observed in the ICSL laboratory as part of a predisposition screen in an ostensibly healthy population. It had not been previously curated by ICSL or reported in the Human Gene Mutation Database (HGMD: prior to June 1st, 2018), and was therefore a candidate for classification through an automated scoring system. Utilizing variant allele frequency, disease prevalence and penetrance estimates, and inheritance mode, an automated score was calculated to assess if this variant is too frequent to cause the disease. Based on the score and internal cut-off values, a variant classified as likely benign is not then subjected to further curation. The score for this variant resulted in a classification of likely benign for this disease.

Athena Diagnostics
Classification: Benign. Last evaluated: 2016-12-30. Review status: criteria provided, single submitter. Criteria: Athena Diagnostics Criteria. Collection method: clinical testing. Allele origin: germline.